The following is an entry in ClinVar:

NM_033305.3(VPS13A):c.998_999insAA (p.Tyr333Ter)

Gene: VPS13A (vacuolar protein sorting 13 homolog A; plus strand). Cytogenetic location: 9q21.2.
Variant type: Insertion.
Coding change: c.998_999insAA on transcript NM_033305.3 (MANE Select); coding-DNA positions 998 to 999, AA inserted.
Protein change: p.Tyr333Ter; replaces tyrosine 333 with a stop codon.
Molecular consequence: nonsense.
Genome position: GRCh38 VCF-style: chr9-77221192-T-TAA. GRCh37 (hg19) VCF-style: chr9-79836108-T-TAA.
Other names: c.998_999insAA, p.Tyr333Ter (NM_001018037.2, NM_001018038.3, NM_015186.4); short protein forms Y333*.
Identifiers: ClinVar variation 5004591 (VCV005004591.1).

ClinVar aggregate classification (germline): Pathogenic (1 of 4 stars; one submission).

Conditions:
VPS13A-related neurodegenerative disease. Also called: Choreoacanthocytosis; Chorea-acanthocytosis; LEVINE-CRITCHLEY SYNDROME; VPS13A Disease; Choreaacanthocytosis; ACANTHOCYTOSIS WITH NEUROLOGIC DISORDER. Identifiers: Orphanet 2388, MedGen C0393576, MONDO:0008695, OMIM 200150.

Submission:

Myriad Genetics, Inc.
Classification: Pathogenic for VPS13A-related neurodegenerative disease. Last evaluated: 2026-04-09. Review status: criteria provided, single submitter. Criteria: Myriad Autosomal Dominant, Autosomal Recessive and X-Linked Classification Criteria (2023). Collection method: clinical testing. Allele origin: unknown.
Comment: NM_033305.2(VPS13A):c.998_999insAA(Y333*) is a frameshift variant classified as pathogenic in the context of VPS13A disease. Y333* has not been observed in cases with relevant disease. Relevant functional assessments of this variant are not available in the literature. Y333* has not been observed in referenced population frequency databases. In summary, NM_033305.2(VPS13A):c.998_999insAA(Y333*) is a frameshift variant in a gene where loss of function is a known mechanism of disease and is predicted to disrupt protein function. Please note: this variant was assessed in the context of healthy population screening.